The following is an entry in ClinVar:

ClinVar aggregate classification (germline): Likely benign (1 of 4 stars; one submission).

Conditions:
Neurodevelopmental disorder, MTOR related. Identifiers: MedGen CN240381.

Allele frequency attached by ClinVar (database versions not stated): gnomAD 0.00001; TOPMed 0.00001.
gnomAD v4.1: 1 of 1,613,684 alleles (0.000062%); highest among the groups gnomAD compares: Non-Finnish European, 0.000085%; no homozygotes.

Submission:

Labcorp Genetics (formerly Invitae), Labcorp
Classification: Likely benign. Last evaluated: 2023-05-01. Review status: criteria provided, single submitter. Criteria: Invitae Variant Classification Sherloc (09022015). Collection method: clinical testing. Allele origin: germline.

NM_004958.4(MTOR):c.3541G>A (p.Val1181Ile)

Gene: MTOR (mechanistic target of rapamycin kinase; minus strand). Cytogenetic location: 1p36.22.
Variant type: single nucleotide variant.
Coding change: c.3541G>A on transcript NM_004958.4 (MANE Select); coding-DNA position 3541, G replaced by A.
Protein change: p.Val1181Ile; replaces valine 1181 with isoleucine.
Molecular consequence: missense variant.
Genome position (GRCh38, 1-based): chr1:11,212,332, C>T on the plus strand (G>A on the coding strand, the complement: MTOR is on the minus strand). VCF-style: chr1-11212332-C-T. GRCh37 (hg19) VCF-style: chr1-11272389-C-T.
Other names: c.3541G>A, p.Val1181Ile (NM_001386500.1); c.2293G>A, p.Val765Ile (NM_001386501.1); short protein forms V1181I, V765I.
Identifiers: ClinVar variation 1118604 (VCV001118604.11), dbSNP rs1274311146, ClinGen allele CA338372748.
Genomic context (GRCh38, chr1:11,212,332, plus strand): 5'-AAGGCAGAAGAGCACCTGTCTGTCCAGACTCCCATCTTACCTTCTTCCCCAGCTGAAAAA[C>T]AAGTGAAGACAGCGTGTCCATGGCTGTGGAGCGCAGTTCTGGGCTCTGGTCCAGTGTTCG-3'
Protein context (NP_004949.1, residues 1171-1191): STAMDTLSSL[Val1181Ile]FQLGKKYQIF